The following is an entry in ClinVar:

ClinVar aggregate classification (germline): Uncertain significance (1 of 4 stars; one submission).

Conditions:
Hereditary cancer-predisposing syndrome. Also called: Neoplastic Syndromes, Hereditary; Tumor predisposition; Hereditary Cancer Syndrome; Hereditary neoplastic syndrome. Identifiers: Orphanet 140162, MedGen C0027672, MeSH D009386, MONDO:0015356.

Submission:

Ambry Genetics
Classification: Uncertain significance for Hereditary cancer-predisposing syndrome. Last evaluated: 2026-04-13. Review status: criteria provided, single submitter. Criteria: Ambry Variant Classification Scheme 2023. Collection method: clinical testing. Allele origin: germline.
Comment: The p.E144G variant (also known as c.431A>G), located in coding exon 4 of the SDHA gene, results from an A to G substitution at nucleotide position 431. The glutamic acid at codon 144 is replaced by glycine, an amino acid with similar properties. This amino acid position is conserved. In addition, this alteration is predicted to be deleterious by in silico analysis. Based on the available evidence, the clinical significance of this variant remains unclear.

NM_004168.4(SDHA):c.431A>G (p.Glu144Gly)

Gene: SDHA (succinate dehydrogenase complex flavoprotein subunit A; plus strand). Cytogenetic location: 5p15.33.
Variant type: single nucleotide variant.
Coding change: c.431A>G on transcript NM_004168.4 (MANE Select); coding-DNA position 431, A replaced by G.
Protein change: p.Glu144Gly; replaces glutamic acid 144 with glycine.
Molecular consequence: missense variant. On other transcripts: intron variant (1).
Genome position (GRCh38, 1-based): chr5:225,537, A>G. VCF-style: chr5-225537-A-G. GRCh37 (hg19) VCF-style: chr5-225652-A-G.
Other names: c.431A>G, p.Glu144Gly (NM_001330758.2); c.313-346A>G (NM_001294332.2); short protein forms E144G.
Identifiers: ClinVar variation 4864221 (VCV004864221.1).